The following is an entry in ClinVar:

ClinVar aggregate classification (germline): Uncertain significance. Review status: criteria provided, multiple submitters, no conflicts (2 of 4 stars). 2 submissions from 2 submitters: Uncertain significance (2). Last evaluated 2024-07-19.

Conditions:
Leber congenital amaurosis 6 (LCA6). Identifiers: Orphanet 65, MedGen C1854260, MONDO:0013446, OMIM 613826.
Cone-rod dystrophy 13 (CORD13). Identifiers: Orphanet 1872, MedGen C2750720, MONDO:0011987, OMIM 608194.

Allele frequency attached by ClinVar (database versions not stated): gnomAD exomes 0.00001; TOPMed 0.00004; ExAC 0.00005; gnomAD 0.00005; 1000 Genomes Project 0.00020; 1000 Genomes Project 30x 0.00031.
gnomAD v4.1: 30 of 1,579,218 alleles (0.0019%); highest among the groups gnomAD compares: African/African-American, 0.0094%; no homozygotes.

Submissions (2):

Blueprint Genetics
Classification: Uncertain significance. Last evaluated: 2024-07-19. Review status: criteria provided, single submitter. Criteria: ACMG Guidelines, 2015. Collection method: clinical testing. Allele origin: germline.

Labcorp Genetics (formerly Invitae), Labcorp
Classification: Uncertain significance for Leber congenital amaurosis 6; Cone-rod dystrophy 13. Last evaluated: 2022-07-05. Review status: criteria provided, single submitter. Criteria: Invitae Variant Classification Sherloc (09022015). Collection method: clinical testing. Allele origin: germline.
Comment: This sequence change replaces arginine, which is basic and polar, with glutamine, which is neutral and polar, at codon 783 of the RPGRIP1 protein (p.Arg783Gln). The frequency data for this variant in the population databases is considered unreliable, as metrics indicate poor data quality at this position in the gnomAD database. This variant has not been reported in the literature in individuals affected with RPGRIP1-related conditions. Algorithms developed to predict the effect of missense changes on protein structure and function output the following: SIFT: "Tolerated"; PolyPhen-2: "Benign"; Align-GVGD: "Class C0". The glutamine amino acid residue is found in multiple mammalian species, which suggests that this missense change does not adversely affect protein function. In summary, the available evidence is currently insufficient to determine the role of this variant in disease. Therefore, it has been classified as a Variant of Uncertain Significance.

NM_020366.4(RPGRIP1):c.2348G>A (p.Arg783Gln)

Gene: RPGRIP1 (RPGR interacting protein 1; plus strand). Cytogenetic location: 14q11.2.
Variant type: single nucleotide variant.
Coding change: c.2348G>A on transcript NM_020366.4 (MANE Select); coding-DNA position 2348, G replaced by A.
Protein change: p.Arg783Gln; replaces arginine 783 with glutamine.
Molecular consequence: missense variant. On other transcripts: intron variant (4).
Genome position (GRCh38, 1-based): chr14:21,325,364, G>A. VCF-style: chr14-21325364-G-A. GRCh37 (hg19) VCF-style: chr14-21793523-G-A.
Other names: c.1274G>A, p.Arg425Gln (NM_001377948.1); c.796+639G>A (NM_001377949.1); c.689-2259G>A (NM_001377523.1, NM_001377950.1); c.191-2259G>A (NM_001377951.1); short protein forms R425Q, R783Q.
Identifiers: ClinVar variation 2197120 (VCV002197120.2), dbSNP rs563490738, ClinGen allele CA7089223.